The following is an entry in ClinVar:

ClinVar aggregate classification (germline): Uncertain significance. Review status: criteria provided, multiple submitters, no conflicts (2 of 4 stars). 2 submissions from 2 submitters: Uncertain significance (2). Last evaluated 2026-02-24.

Conditions:
SCLT1-related disorder. Also called: SCLT1-related condition.

Allele frequency attached by ClinVar (database versions not stated): gnomAD exomes 0.00001 and 0.00003; ExAC 0.00002; gnomAD 0.00010 and 0.00011; TOPMed 0.00014.

Submissions (2):

PreventionGenetics, part of Exact Sciences
Classification: Uncertain significance for SCLT1-related condition. Last evaluated: 2026-02-24. Review status: criteria provided, single submitter. Criteria: ACMG Guidelines, 2015. Collection method: clinical testing. Allele origin: germline.
Comment: The SCLT1 c.518_529del12 variant is predicted to result in an in-frame deletion (p.Gln173_Phe177delinsLeu). To our knowledge, this variant has not been reported in the literature. This variant is reported in 0.025% of alleles in individuals of Latino descent in gnomAD. At this time, the clinical significance of this variant is uncertain due to the absence of conclusive functional and genetic evidence.

Labcorp Genetics (formerly Invitae), Labcorp
Classification: Uncertain significance. Last evaluated: 2022-08-15. Review status: criteria provided, single submitter. Criteria: Invitae Variant Classification Sherloc (09022015). Collection method: clinical testing. Allele origin: germline.
Comment: This variant, c.518_529del, is a complex sequence change that results in the deletion of 5 and insertion of 1 amino acid(s) in the SCLT1 protein (p.Gln173_Phe177delinsLeu). This variant is present in population databases (rs754285607, gnomAD 0.03%). This variant has not been reported in the literature in individuals affected with SCLT1-related conditions. ClinVar contains an entry for this variant (Variation ID: 1395234). Experimental studies and prediction algorithms are not available or were not evaluated, and the functional significance of this variant is currently unknown. In summary, the available evidence is currently insufficient to determine the role of this variant in disease. Therefore, it has been classified as a Variant of Uncertain Significance.

NM_144643.4(SCLT1):c.518_529del (p.Gln173_Phe177delinsLeu)

Gene: SCLT1 (sodium channel and clathrin linker 1; minus strand). Cytogenetic location: 4q28.2.
Variant type: Deletion.
Coding change: c.518_529del on transcript NM_144643.4 (MANE Select); coding-DNA positions 518 to 529, 12 bases deleted (AGATTCATGTAT).
Protein change: p.Gln173_Phe177delinsLeu.
Molecular consequence: inframe indel.
Genome position (GRCh38, 1-based): chr4:128,999,692-128,999,703, ATACATGAATCT deleted on the plus strand (AGATTCATGTAT on the coding strand, the reverse complement: SCLT1 is on the minus strand). VCF-style (leftmost placement, unchanged base first): chr4-128999691-AATACATGAATCT-A. GRCh37 (hg19) VCF-style: chr4-129920846-AATACATGAATCT-A.
Other names: c.518_529del12 (NM_144643.3).
Identifiers: ClinVar variation 1395234 (VCV001395234.6), dbSNP rs754285607, ClinGen allele CA3079919.